The following is an entry in ClinVar:

ClinVar aggregate classification (germline): Uncertain significance. Review status: criteria provided, single submitter (1 of 4 stars). 2 submissions from 2 submitters: Uncertain significance (1). 1 of the submissions does not count toward it. Last evaluated 2021-08-26.

Conditions:
Usher syndrome type 1B (USH1B). Also called: Usher syndrome type IB. Identifiers: MedGen C1848638, MONDO:0700087.

Allele frequency attached by ClinVar (database versions not stated): gnomAD exomes below 0.00001 and 0.00001; TOPMed 0.00001; ExAC 0.00008.
gnomAD v4.1: 4 of 1,542,558 alleles (0.00026%); highest among the groups gnomAD compares: South Asian, 0.0012%; no homozygotes.

Submissions (2):

Labcorp Genetics (formerly Invitae), Labcorp
Classification: Uncertain significance. Last evaluated: 2021-08-26. Review status: criteria provided, single submitter. Criteria: Invitae Variant Classification Sherloc (09022015). Collection method: clinical testing. Allele origin: germline.
Comment: This sequence change replaces tyrosine with cysteine at codon 827 of the MYO7A protein (p.Tyr827Cys). The tyrosine residue is moderately conserved and there is a large physicochemical difference between tyrosine and cysteine. The frequency data for this variant in the population databases is considered unreliable, as metrics indicate poor data quality at this position in the ExAC database. This variant has not been reported in the literature in individuals affected with MYO7A-related conditions. Algorithms developed to predict the effect of missense changes on protein structure and function are either unavailable or do not agree on the potential impact of this missense change (SIFT: "Deleterious"; PolyPhen-2: "Benign"; Align-GVGD: "Class C0"). In summary, the available evidence is currently insufficient to determine the role of this variant in disease. Therefore, it has been classified as a Variant of Uncertain Significance.

Natera, Inc.
Classification: Uncertain significance for Usher syndrome type 1B. Last evaluated: 2020-06-04. Review status: no assertion criteria provided. Collection method: clinical testing. Allele origin: germline. Not counted in ClinVar's aggregate classification.

NM_000260.4(MYO7A):c.2480A>G (p.Tyr827Cys)

Gene: MYO7A (myosin VIIA; plus strand). Cytogenetic location: 11q13.5.
Variant type: single nucleotide variant.
Coding change: c.2480A>G on transcript NM_000260.4 (MANE Select); coding-DNA position 2480, A replaced by G.
Protein change: p.Tyr827Cys; replaces tyrosine 827 with cysteine.
Molecular consequence: missense variant.
Genome position (GRCh38, 1-based): chr11:77,179,847, A>G. VCF-style: chr11-77179847-A-G. GRCh37 (hg19) VCF-style: chr11-76890893-A-G.
Other names: c.2480A>G, p.Tyr827Cys (NM_001127180.2); c.2447A>G, p.Tyr816Cys (NM_001369365.1); short protein forms Y816C, Y827C.
Identifiers: ClinVar variation 1006752 (VCV001006752.7), dbSNP rs782474674, ClinGen allele CA6197852.